The following is an entry in ClinVar:

NM_003640.5(ELP1):c.2761C>A (p.Leu921Ile)

Gene: ELP1 (elongator acetyltransferase complex subunit 1; minus strand). Cytogenetic location: 9q31.3.
Variant type: single nucleotide variant.
Coding change: c.2761C>A on transcript NM_003640.5 (MANE Select); coding-DNA position 2761, C replaced by A.
Protein change: p.Leu921Ile; replaces leucine 921 with isoleucine.
Molecular consequence: missense variant.
Genome position (GRCh38, 1-based): chr9:108,894,042, G>T on the plus strand (C>A on the coding strand, the complement: ELP1 is on the minus strand). VCF-style: chr9-108894042-G-T. GRCh37 (hg19) VCF-style: chr9-111656322-G-T.
Other names: c.2419C>A, p.Leu807Ile (NM_001318360.2); c.1714C>A, p.Leu572Ile (NM_001330749.2); short protein forms L572I, L921I, L807I.
Identifiers: ClinVar variation 1979372 (VCV001979372.2), dbSNP rs540615950, ClinGen allele CA374419070.
Genomic context (GRCh38, chr9:108,894,042, plus strand): 5'-TCAAGTATTTGTCTATAGTAAACCGCTGATAATTAGTTTCCATTTTCTTAAGTGTATTAA[G>T]AAATGGAAGATATTCTTTGGGATCCTAAAAAAATGATTAATGAGAACTTTATTACTTGTG-3'
Protein context (NP_003631.2, residues 911-931): QKDPKEYLPF[Leu921Ile]NTLKKMETNY

ClinVar aggregate classification (germline): Uncertain significance. Review status: criteria provided, multiple submitters, no conflicts (2 of 4 stars). 2 submissions from 2 submitters: Uncertain significance (2). Last evaluated 2024-06-09.

Conditions:
Familial dysautonomia. Also called: FD; HSAN III. Identifiers: Orphanet 1764, MedGen C0013364, MONDO:0009131, OMIM 223900. Disease mechanism: loss of function.
Medulloblastoma (MDB). Also called: MEDULLOBLASTOMA PREDISPOSITION SYNDROME; Medulloblastoma, somatic. Identifiers: Orphanet 616, MedGen C0025149, MeSH D008527, MONDO:0007959, OMIM 155255, HP:0002885.

gnomAD v4.1: 2 of 1,523,542 alleles (0.00013%); highest among the groups gnomAD compares: Admixed American, 0.0034%; no homozygotes.

Submissions (2):

Fulgent Genetics
Classification: Uncertain significance for Medulloblastoma; Familial dysautonomia. Last evaluated: 2024-06-09. Review status: criteria provided, single submitter. Criteria: ACMG Guidelines, 2015. Collection method: clinical testing. Allele origin: germline.

Labcorp Genetics (formerly Invitae), Labcorp
Classification: Uncertain significance. Last evaluated: 2022-05-25. Review status: criteria provided, single submitter. Criteria: Invitae Variant Classification Sherloc (09022015). Collection method: clinical testing. Allele origin: germline.
Comment: This sequence change replaces leucine, which is neutral and non-polar, with isoleucine, which is neutral and non-polar, at codon 921 of the ELP1 protein (p.Leu921Ile). This variant is not present in population databases (gnomAD no frequency). This variant has not been reported in the literature in individuals affected with ELP1-related conditions. Algorithms developed to predict the effect of missense changes on protein structure and function are either unavailable or do not agree on the potential impact of this missense change (SIFT: "Deleterious"; PolyPhen-2: "Probably Damaging"; Align-GVGD: "Class C0"). In summary, the available evidence is currently insufficient to determine the role of this variant in disease. Therefore, it has been classified as a Variant of Uncertain Significance.